The following is an entry in ClinVar:

ClinVar aggregate classification (germline): Conflicting classifications of pathogenicity. Review status: criteria provided, conflicting classifications (1 of 4 stars). 4 submissions from 4 submitters: Uncertain significance (3); Likely benign (1). Last evaluated 2026-09-16.

Conditions:
TTN-related disorder. Also called: TTN-related condition; TTN-related disease; TTN-related disorders.

Allele frequency attached by ClinVar (database versions not stated): gnomAD 0.00003 and 0.00004; gnomAD exomes 0.00003; ExAC 0.00004; TOPMed 0.00005.
gnomAD v4.1: 27 of 1,613,554 alleles (0.0017%); highest among the groups gnomAD compares: Middle Eastern, 0.016%; no homozygotes.

Submissions (4):

PreventionGenetics, part of Exact Sciences
Classification: Uncertain significance for TTN-related condition. Last evaluated: 2026-09-16. Review status: criteria provided, single submitter. Criteria: ACMG Guidelines, 2015. Collection method: clinical testing. Allele origin: germline.
Comment: The TTN c.24571G>A variant is predicted to result in the amino acid substitution p.Glu8191Lys. This variant has been reported in an exome sequencing cohort in which clinical details were not provided (referred to as c.20839G>A, p.Glu6947Lys in transcript NM_133378, Supplemental Table 3, Ng et al. 2013. PubMed ID: 23861362). This variant is reported in 0.0065% of alleles in individuals of South Asian descent in gnomAD and has conflicting interpretations regarding its pathogenicity in ClinVar, ranging from likely benign to uncertain (Variation ID: 192010). At this time, the clinical significance of this variant is uncertain due to the absence of conclusive functional and genetic evidence.

Molecular Diagnostic Laboratory for Inherited Cardiovascular Disease, Montreal Heart Institute
Classification: Likely benign. Last evaluated: 2025-04-09. Review status: criteria provided, single submitter. Criteria: ACMG Guidelines, 2015. Collection method: clinical testing. Allele origin: germline. Affected: no.

Women's Health and Genetics/Laboratory Corporation of America, LabCorp
Classification: Uncertain significance. Last evaluated: 2023-11-07. Review status: criteria provided, single submitter. Criteria: LabCorp Variant Classification Summary - May 2015. Collection method: clinical testing. Allele origin: germline.
Comment: Variant summary: TTN c.20839G>A (p.Glu6947Lys) results in a conservative amino acid change located in the I-band domain of the encoded protein sequence. Two of three in-silico tools predict a benign effect of the variant on protein function. The variant allele was found at a frequency of 3.2e-05 in 248178 control chromosomes (gnomAD). The available data on variant occurrences in the general population are insufficient to allow any conclusion about variant significance. To our knowledge, no occurrence of c.20839G>A in individuals affected with Dilated Cardiomyopathy and no experimental evidence demonstrating its impact on protein function have been reported. No submitters have cited clinical-significance assessments for this variant to ClinVar after 2014. Based on the evidence outlined above, the variant was classified as uncertain significance.

Biesecker Lab/Clinical Genomics Section, National Institutes of Health
Classification: Uncertain significance. Last evaluated: 2013-06-24. Review status: criteria provided, single submitter. Criteria: Ng et al. (Circ Cardiovasc Genet. 2013). Collection method: research. Allele origin: unknown. Observed: 1 variant allele. Study: ClinSeq.
Comment: The study set was not selected for affection status in relation to any cancer. Pathogenicity categories were based on literature curation. See Pubmed ID:23861362 for details.

Medical sequencing

NM_001267550.2(TTN):c.24571G>A (p.Glu8191Lys)

Gene: TTN (titin; minus strand). Cytogenetic location: 2q31.2.
Variant type: single nucleotide variant.
Coding change: c.24571G>A on transcript NM_001267550.2 (MANE Select); coding-DNA position 24571, G replaced by A.
Protein change: p.Glu8191Lys; replaces glutamic acid 8191 with lysine.
Molecular consequence: missense variant. On other transcripts: intron variant (3).
Genome position (GRCh38, 1-based): chr2:178,718,535, C>T on the plus strand (G>A on the coding strand, the complement: TTN is on the minus strand). VCF-style: chr2-178718535-C-T. GRCh37 (hg19) VCF-style: chr2-179583262-C-T.
Other names: c.23620G>A, p.Glu7874Lys (NM_001256850.1); c.20839G>A, p.Glu6947Lys (NM_133378.4); c.13282+19547G>A (NM_003319.4); c.13858+19547G>A (NM_133437.4); c.13657+19547G>A (NM_133432.3); short protein forms E6947K, E8191K, E7874K.
Identifiers: ClinVar variation 192010 (VCV000192010.5), dbSNP rs201326258, ClinGen allele CA238093.